The following is an entry in ClinVar:

ClinVar aggregate classification (germline): Likely pathogenic (1 of 4 stars; one submission).

Conditions:
Aortic aneurysm, familial thoracic 4 (AAT4). Also called: AORTIC ANEURYSM/AORTIC DISSECTION AND PATENT DUCTUS ARTERIOSUS. Identifiers: MedGen C1851504, MONDO:0007568, OMIM 132900.

Submission:

Centre for Mendelian Genomics, University Medical Centre Ljubljana
Classification: Likely pathogenic for Aortic aneurysm, familial thoracic 4. Last evaluated: 2020-03-20. Review status: criteria provided, single submitter. Criteria: ACMG Guidelines, 2015. Collection method: clinical testing. Allele origin: unknown. Affected: yes.
Comment: This variant was classified as: Likely pathogenic. The following ACMG criteria were applied in classifying this variant: PVS1,PM2.

NM_002474.3(MYH11):c.3631C>T (p.Gln1211Ter)

Gene: MYH11 (myosin heavy chain 11; minus strand). Cytogenetic location: 16p13.11.
Variant type: single nucleotide variant.
Coding change: c.3631C>T on transcript NM_002474.3 (MANE Select); coding-DNA position 3631, C replaced by T.
Protein change: p.Gln1211Ter; replaces glutamine 1211 with a stop codon.
Molecular consequence: nonsense.
Genome position (GRCh38, 1-based): chr16:15,732,584, G>A on the plus strand (C>T on the coding strand, the complement: MYH11 is on the minus strand). VCF-style: chr16-15732584-G-A. GRCh37 (hg19) VCF-style: chr16-15826441-G-A.
Other names: c.3652C>T, p.Gln1218Ter (NM_001040113.2, NM_001040114.2); c.3631C>T, p.Gln1211Ter (NM_022844.3); short protein forms Q1218*, Q1211*.
Identifiers: ClinVar variation 930918 (VCV000930918.3), dbSNP rs2040998358, ClinGen allele CA394861012.
Genomic context (GRCh38, chr16:15,732,584, plus strand): 5'-TTATGTGTCATCACCAAAAAGCATCACCAAAAAGCATTACCCTCTTGAACTGCTCAAGCT[G>A]CTCTGTGAGCTCCTCCACCGCCTGTGCGTGTTTCTGCCTCATCTCCTGGACCTGAGCCTC-3'